The following is an entry in ClinVar:

NM_001081.4(CUBN):c.9229G>A (p.Glu3077Lys)

Gene: CUBN (cubilin; minus strand). Cytogenetic location: 10p13.
Variant type: single nucleotide variant.
Coding change: c.9229G>A on transcript NM_001081.4 (MANE Select); coding-DNA position 9229, G replaced by A.
Protein change: p.Glu3077Lys; replaces glutamic acid 3077 with lysine.
Molecular consequence: missense variant.
Genome position (GRCh38, 1-based): chr10:16,874,381, C>T on the plus strand (G>A on the coding strand, the complement: CUBN is on the minus strand). VCF-style: chr10-16874381-C-T. GRCh37 (hg19) VCF-style: chr10-16916380-C-T.
Other names: short protein forms E3077K.
Identifiers: ClinVar variation 2730303 (VCV002730303.7), dbSNP rs372853086, ClinGen allele CA5422781.

ClinVar aggregate classification (germline): Conflicting classifications of pathogenicity. Review status: criteria provided, conflicting classifications (1 of 4 stars). 4 submissions from 4 submitters: Uncertain significance (1); Likely benign (2). 1 of the submissions does not count toward it. Last evaluated 2025-12-03.

Conditions:
Imerslund-Grasbeck syndrome type 1 (IGS1). Also called: Megaloblastic anemia 1, Finnish type; Imerslund-Gräsbeck syndrome 1; MEGALOBLASTIC ANEMIA, 1. Identifiers: MedGen C4016819, MONDO:0100156, OMIM 261100.
Proteinuria, chronic benign. Identifiers: MedGen C5394384, MONDO:0030042, OMIM 618884.
Imerslund-Grasbeck syndrome. Also called: ENTEROCYTE COBALAMIN MALABSORPTION; ENTEROCYTE INTRINSIC FACTOR RECEPTOR, DEFECT OF; PERNICIOUS ANEMIA, JUVENILE, DUE TO SELECTIVE INTESTINAL MALABSORPTION OF VITAMIN B12, WITH PROTEINURIA; Megaloblastic anemia due to inborn errors of metabolism; Imerslund-Gräsbeck syndrome. Identifiers: Orphanet 35858, MedGen C4551825, MONDO:0009853.
CUBN-related disorder. Also called: CUBN-related condition.
Inborn genetic diseases. Identifiers: MedGen C0950123, MeSH D030342.

Allele frequency attached by ClinVar (database versions not stated): gnomAD 0.00011; ExAC 0.00012; TOPMed 0.00013.
gnomAD v4.1: 121 of 1,614,122 alleles (0.0075%); highest among the groups gnomAD compares: East Asian, 0.24%; 1 homozygote.

Submissions (4):

Labcorp Genetics (formerly Invitae), Labcorp
Classification: Likely benign for Imerslund-Grasbeck syndrome. Last evaluated: 2025-12-03. Review status: criteria provided, single submitter. Criteria: Invitae Variant Classification Sherloc (09022015). Collection method: clinical testing. Allele origin: germline.

Ambry Genetics
Classification: Likely benign for Inborn genetic diseases. Last evaluated: 2025-05-01. Review status: criteria provided, single submitter. Criteria: Ambry Variant Classification Scheme 2023. Collection method: clinical testing. Allele origin: germline.

Fulgent Genetics
Classification: Uncertain significance for Imerslund-Grasbeck syndrome type 1; Proteinuria, chronic benign. Last evaluated: 2024-05-21. Review status: criteria provided, single submitter. Criteria: ACMG Guidelines, 2015. Collection method: clinical testing. Allele origin: germline.

PreventionGenetics, part of Exact Sciences
Classification: Likely benign for CUBN-related condition. Last evaluated: 2022-12-19. Review status: no assertion criteria provided. Collection method: clinical testing. Allele origin: germline. Not counted in ClinVar's aggregate classification.
Comment: This variant is classified as likely benign based on ACMG/AMP sequence variant interpretation guidelines (Richards et al. 2015 PMID: 25741868, with internal and published modifications).